The following is an entry in ClinVar:

NM_030777.4(SLC2A10):c.1018G>A (p.Gly340Ser)

Gene: SLC2A10 (solute carrier family 2 member 10; plus strand). Cytogenetic location: 20q13.12.
Variant type: single nucleotide variant.
Coding change: c.1018G>A on transcript NM_030777.4 (MANE Select); coding-DNA position 1018, G replaced by A.
Protein change: p.Gly340Ser; replaces glycine 340 with serine.
Molecular consequence: missense variant.
Genome position (GRCh38, 1-based): chr20:46,726,054, G>A. VCF-style: chr20-46726054-G-A. GRCh37 (hg19) VCF-style: chr20-45354693-G-A.
Other names: short protein forms G340S.
Identifiers: ClinVar variation 520174 (VCV000520174.6), dbSNP rs1333501401, ClinGen allele CA409268872.

ClinVar aggregate classification (germline): Uncertain significance (1 of 4 stars; one submission).

Conditions:
Familial thoracic aortic aneurysm and aortic dissection (TAAD). Also called: Thoracic aortic aneurysms and dissections. Identifiers: Orphanet 91387, MedGen C4707243, MONDO:0019625.

Allele frequency attached by ClinVar (database versions not stated): TOPMed below 0.00001.

Submission:

Ambry Genetics
Classification: Uncertain significance for Familial thoracic aortic aneurysm and aortic dissection. Last evaluated: 2024-06-04. Review status: criteria provided, single submitter. Criteria: Ambry Variant Classification Scheme 2023. Collection method: clinical testing. Allele origin: germline.
Comment: The p.G340S variant (also known as c.1018G>A), located in coding exon 2 of the SLC2A10 gene, results from a G to A substitution at nucleotide position 1018. The glycine at codon 340 is replaced by serine, an amino acid with similar properties. This variant was not reported in population based cohorts in the following databases: Database of Single Nucleotide Polymorphisms (dbSNP), NHLBI Exome Sequencing Project (ESP), and 1000 Genomes Project. In the ESP, this variant was not observed in 6503 samples (13006 alleles) with coverage at this position. This amino acid position is not well conserved in available vertebrate species, and serine is the reference amino acid in other vertebrate species. In addition, this alteration is predicted to be tolerated by in silico analysis. Since supporting evidence is limited at this time, the clinical significance of this variant remains unclear.